The following is an entry in ClinVar:

NM_000548.5(TSC2):c.4826G>T (p.Cys1609Phe)

Gene: TSC2 (TSC complex subunit 2; plus strand). Cytogenetic location: 16p13.3.
Variant type: single nucleotide variant.
Coding change: c.4826G>T on transcript NM_000548.5 (MANE Select); coding-DNA position 4826, G replaced by T.
Protein change: p.Cys1609Phe; replaces cysteine 1609 with phenylalanine.
Molecular consequence: missense variant.
Genome position (GRCh38, 1-based): chr16:2,086,356, G>T. VCF-style: chr16-2086356-G-T. GRCh37 (hg19) VCF-style: chr16-2136357-G-T.
Other names: c.4625G>T, p.Cys1542Phe (NM_001077183.3); c.4757G>T, p.Cys1586Phe (NM_001114382.3); c.4517G>T, p.Cys1506Phe (NM_001318827.2); c.4481G>T, p.Cys1494Phe (NM_001318829.2); c.4094G>T, p.Cys1365Phe (NM_001318831.2); c.4658G>T, p.Cys1553Phe (NM_001318832.2); c.4628G>T, p.Cys1543Phe (NM_001363528.2); c.4694G>T, p.Cys1565Phe (NM_001370404.1); and 1 more; short protein forms C1365F, C1506F, C1565F, C1494F, C1553F, C1566F, C1586F, C1542F.
Identifiers: ClinVar variation 1461014 (VCV001461014.12), dbSNP rs1233744012, ClinGen allele CA394308108.

ClinVar aggregate classification (germline): Uncertain significance. Review status: criteria provided, multiple submitters, no conflicts (2 of 4 stars). 4 submissions from 4 submitters: Uncertain significance (4). Last evaluated 2026-01-28.

Conditions:
Hereditary cancer-predisposing syndrome. Also called: Hereditary Cancer Syndrome; Neoplastic Syndromes, Hereditary; Tumor predisposition; Hereditary neoplastic syndrome. Identifiers: Orphanet 140162, MedGen C0027672, MeSH D009386, MONDO:0015356.
Tuberous sclerosis 2 (TSC2). Identifiers: Orphanet 805, MedGen C1860707, MONDO:0013199, OMIM 613254.

Allele frequency attached by ClinVar (database versions not stated): gnomAD exomes below 0.00001.
gnomAD v4.1: 1 of 1,612,812 alleles (0.000062%); highest among the groups gnomAD compares: Admixed American, 0.0017%; no homozygotes.

Submissions (4):

GeneDx
Classification: Uncertain significance. Last evaluated: 2026-01-28. Review status: criteria provided, single submitter. Criteria: GeneDx Variant Classification Process June 2021. Collection method: clinical testing. Allele origin: germline.
Comment: Not observed at significant frequency in large population cohorts (gnomAD); In silico analysis supports that this missense variant has a deleterious effect on protein structure/function; Has not been previously published as pathogenic or benign to our knowledge; This variant is associated with the following publications: (PMID: 18466115)

Labcorp Genetics (formerly Invitae), Labcorp
Classification: Uncertain significance for Tuberous sclerosis 2. Last evaluated: 2025-08-05. Review status: criteria provided, single submitter. Criteria: Invitae Variant Classification Sherloc (09022015). Collection method: clinical testing. Allele origin: germline.
Comment: This sequence change replaces cysteine, which is neutral and slightly polar, with phenylalanine, which is neutral and non-polar, at codon 1609 of the TSC2 protein (p.Cys1609Phe). This variant is not present in population databases (gnomAD no frequency). This variant has not been reported in the literature in individuals affected with TSC2-related conditions. ClinVar contains an entry for this variant (Variation ID: 1461014). Invitae Evidence Modeling of protein sequence and biophysical properties (such as structural, functional, and spatial information, amino acid conservation, physicochemical variation, residue mobility, and thermodynamic stability) indicates that this missense variant is not expected to disrupt TSC2 protein function with a negative predictive value of 95%. In summary, the available evidence is currently insufficient to determine the role of this variant in disease. Therefore, it has been classified as a Variant of Uncertain Significance.

Dasa
Classification: Uncertain significance for Tuberous sclerosis 2. Last evaluated: 2025-06-25. Review status: criteria provided, single submitter. Criteria: DASA Assertion Criteria. Collection method: clinical testing. Allele origin: germline.
Comment: NM_000548.5(TSC2):c.4826G>T (p.Cys1609Phe) is a missense variant that results in the substitution of cysteine with phenylalanine. This variant is rare in population databases. Computational prediction algorithms are consistent with a deleterious effect. The currently available literature and clinical evidence are not sufficient to establish a definitive association between this variant and the reported condition. Therefore, this variant is classified as a variant of uncertain significance.

Ambry Genetics
Classification: Uncertain significance for Hereditary cancer-predisposing syndrome. Last evaluated: 2025-01-16. Review status: criteria provided, single submitter. Criteria: Ambry Variant Classification Scheme 2023. Collection method: clinical testing. Allele origin: germline.
Comment: The p.C1609F variant (also known as c.4826G>T), located in coding exon 36 of the TSC2 gene, results from a G to T substitution at nucleotide position 4826. The cysteine at codon 1609 is replaced by phenylalanine, an amino acid with highly dissimilar properties. This amino acid position is highly conserved in available vertebrate species. In addition, this alteration is predicted to be deleterious by in silico analysis. Based on the available evidence, the clinical significance of this variant remains unclear.